The following is an entry in ClinVar:

NM_173354.5(SIK1):c.1119+3G>A

Gene: SIK1 (salt inducible kinase 1; minus strand). Cytogenetic location: 21q22.3.
Variant type: single nucleotide variant.
Coding change: c.1119+3G>A on transcript NM_173354.5 (MANE Select); 3 bases into the intron after coding-DNA position 1119, G replaced by A.
Molecular consequence: intron variant.
Genome position (GRCh38, 1-based): chr21:43,419,856, C>T on the plus strand (G>A on the coding strand, the complement: SIK1 is on the minus strand). VCF-style: chr21-43419856-C-T. GRCh37 (hg19) VCF-style: chr21-44839736-C-T.
Identifiers: ClinVar variation 2822588 (VCV002822588.3), dbSNP rs1194486887, ClinGen allele CA749586999.

ClinVar aggregate classification (germline): Uncertain significance (1 of 4 stars; one submission).

Conditions:
Developmental and epileptic encephalopathy, 30 (DEE30). Also called: Epileptic encephalopathy, early infantile, 30. Identifiers: MedGen C4225360, MONDO:0014595, OMIM 616341.

Submission:

Labcorp Genetics (formerly Invitae), Labcorp
Classification: Uncertain significance for Developmental and epileptic encephalopathy, 30. Last evaluated: 2024-12-28. Review status: criteria provided, single submitter. Criteria: Invitae Variant Classification Sherloc (09022015). Collection method: clinical testing. Allele origin: germline.
Comment: This sequence change falls in intron 9 of the SIK1 gene. It does not directly change the encoded amino acid sequence of the SIK1 protein. It affects a nucleotide within the consensus splice site. This variant is present in population databases (no rsID available, gnomAD 0.001%). This variant has not been reported in the literature in individuals affected with SIK1-related conditions. ClinVar contains an entry for this variant (Variation ID: 2822588). Variants that disrupt the consensus splice site are a relatively common cause of aberrant splicing (PMID: 17576681, 9536098). Algorithms developed to predict the effect of sequence changes on RNA splicing suggest that this variant is not likely to affect RNA splicing. In summary, the available evidence is currently insufficient to determine the role of this variant in disease. Therefore, it has been classified as a Variant of Uncertain Significance.

Literature cited by the submitters: PubMed 17576681; PubMed 9536098.